The following is an entry in ClinVar:

ClinVar aggregate classification (germline): Uncertain significance (1 of 4 stars; one submission).

Conditions:
Charcot-Marie-Tooth disease type 2. Also called: Charcot-Marie-Tooth type 2. Identifiers: Orphanet 64746, MedGen C0270914, MONDO:0018993.

Submission:

Labcorp Genetics (formerly Invitae), Labcorp
Classification: Uncertain significance for Charcot-Marie-Tooth disease type 2. Last evaluated: 2024-03-27. Review status: criteria provided, single submitter. Criteria: Invitae Variant Classification Sherloc (09022015). Collection method: clinical testing. Allele origin: germline.
Comment: This sequence change replaces serine, which is neutral and polar, with leucine, which is neutral and non-polar, at codon 452 of the AARS protein (p.Ser452Leu). This variant is not present in population databases (gnomAD no frequency). This variant has not been reported in the literature in individuals affected with AARS-related conditions. Advanced modeling of protein sequence and biophysical properties (such as structural, functional, and spatial information, amino acid conservation, physicochemical variation, residue mobility, and thermodynamic stability) has been performed at Invitae for this missense variant, however the output from this modeling did not meet the statistical confidence thresholds required to predict the impact of this variant on AARS protein function. In summary, the available evidence is currently insufficient to determine the role of this variant in disease. Therefore, it has been classified as a Variant of Uncertain Significance.

NM_001605.3(AARS1):c.1355C>T (p.Ser452Leu)

Gene: AARS1 (alanyl-tRNA synthetase 1; minus strand). Cytogenetic location: 16q22.1.
Variant type: single nucleotide variant.
Coding change: c.1355C>T on transcript NM_001605.3 (MANE Select); coding-DNA position 1355, C replaced by T.
Protein change: p.Ser452Leu; replaces serine 452 with leucine.
Molecular consequence: missense variant.
Genome position (GRCh38, 1-based): chr16:70,265,095, G>A on the plus strand (C>T on the coding strand, the complement: AARS1 is on the minus strand). VCF-style: chr16-70265095-G-A. GRCh37 (hg19) VCF-style: chr16-70298998-G-A.
Other names: short protein forms S452L.
Identifiers: ClinVar variation 3647831 (VCV003647831.2).